The following is an entry in ClinVar:

ClinVar aggregate classification (germline): Uncertain significance (1 of 4 stars; one submission).

Allele frequency attached by ClinVar (database versions not stated): gnomAD exomes below 0.00001.
gnomAD v4.1: 2 of 1,604,380 alleles (0.00012%); highest among the groups gnomAD compares: African/African-American, 0.0013%; no homozygotes.

Submission:

Labcorp Genetics (formerly Invitae), Labcorp
Classification: Uncertain significance. Last evaluated: 2022-11-08. Review status: criteria provided, single submitter. Criteria: Invitae Variant Classification Sherloc (09022015). Collection method: clinical testing. Allele origin: germline.
Comment: Advanced modeling of protein sequence and biophysical properties (such as structural, functional, and spatial information, amino acid conservation, physicochemical variation, residue mobility, and thermodynamic stability) performed at Invitae indicates that this missense variant is not expected to disrupt ENPP1 protein function. In summary, the available evidence is currently insufficient to determine the role of this variant in disease. Therefore, it has been classified as a Variant of Uncertain Significance. This variant has not been reported in the literature in individuals affected with ENPP1-related conditions. This variant is not present in population databases (gnomAD no frequency). This sequence change replaces proline, which is neutral and non-polar, with leucine, which is neutral and non-polar, at codon 719 of the ENPP1 protein (p.Pro719Leu).

NM_006208.3(ENPP1):c.2156C>T (p.Pro719Leu)

Gene: ENPP1 (ectonucleotide pyrophosphatase/phosphodiesterase 1; plus strand). Cytogenetic location: 6q23.2.
Variant type: single nucleotide variant.
Coding change: c.2156C>T on transcript NM_006208.3 (MANE Select); coding-DNA position 2156, C replaced by T.
Protein change: p.Pro719Leu; replaces proline 719 with leucine.
Molecular consequence: missense variant.
Genome position (GRCh38, 1-based): chr6:131,882,400, C>T. VCF-style: chr6-131882400-C-T. GRCh37 (hg19) VCF-style: chr6-132203540-C-T.
Other names: short protein forms P719L.
Identifiers: ClinVar variation 1947974 (VCV001947974.5), dbSNP rs1782323221, ClinGen allele CA365653949.